The following is an entry in ClinVar:

ClinVar aggregate classification (germline): Uncertain significance (1 of 4 stars; one submission).

Conditions:
Inborn genetic diseases. Identifiers: MedGen C0950123, MeSH D030342.

Allele frequency attached by ClinVar (database versions not stated): gnomAD exomes below 0.00001; ExAC 0.00001; gnomAD 0.00001; 1000 Genomes Project 0.00020; 1000 Genomes Project 30x 0.00031.
gnomAD v4.1: 2 of 1,613,312 alleles (0.00012%); highest among the groups gnomAD compares: Non-Finnish European, 0.00017%; no homozygotes.

Submission:

Ambry Genetics
Classification: Uncertain significance for Inborn genetic diseases. Last evaluated: 2021-08-21. Review status: criteria provided, single submitter. Criteria: Ambry Variant Classification Scheme 2023. Collection method: clinical testing. Allele origin: germline.
Comment: The p.A277T variant (also known as c.829G>A), located in coding exon 7 of the EPAS1 gene, results from a G to A substitution at nucleotide position 829. The alanine at codon 277 is replaced by threonine, an amino acid with similar properties. This amino acid position is conserved. In addition, this alteration is predicted to be tolerated by in silico analysis. Since supporting evidence is limited at this time, the clinical significance of this alteration remains unclear.

NM_001430.5(EPAS1):c.829G>A (p.Ala277Thr)

Gene: EPAS1 (endothelial PAS domain protein 1; plus strand). Cytogenetic location: 2p21.
Variant type: single nucleotide variant.
Coding change: c.829G>A on transcript NM_001430.5 (MANE Select); coding-DNA position 829, G replaced by A.
Protein change: p.Ala277Thr; replaces alanine 277 with threonine.
Molecular consequence: missense variant.
Genome position (GRCh38, 1-based): chr2:46,369,876, G>A. VCF-style: chr2-46369876-G-A. GRCh37 (hg19) VCF-style: chr2-46597015-G-A.
Other names: short protein forms A277T.
Identifiers: ClinVar variation 1762800 (VCV001762800.2), dbSNP rs551232356, ClinGen allele CA1644783.